The following is an entry in ClinVar:

ClinVar aggregate classification (germline): Uncertain significance (1 of 4 stars; one submission).

Submission:

GeneDx
Classification: Uncertain significance. Last evaluated: 2024-07-03. Review status: criteria provided, single submitter. Criteria: GeneDx Variant Classification Process June 2021. Collection method: clinical testing. Allele origin: germline. Affected: yes.
Comment: Not observed at significant frequency in large population cohorts (gnomAD); In silico analysis supports that this missense variant has a deleterious effect on protein structure/function; Has not been previously published as pathogenic or benign to our knowledge

NM_017852.5(NLRP2):c.2639T>G (p.Ile880Ser)

Gene: NLRP2 (NLR family pyrin domain containing 2; plus strand). Cytogenetic location: 19q13.42.
Variant type: single nucleotide variant.
Coding change: c.2639T>G on transcript NM_017852.5 (MANE Select); coding-DNA position 2639, T replaced by G.
Protein change: p.Ile880Ser; replaces isoleucine 880 with serine.
Molecular consequence: missense variant. On other transcripts: non-coding transcript variant (1).
Genome position (GRCh38, 1-based): chr19:54,990,603, T>G. VCF-style: chr19-54990603-T-G. GRCh37 (hg19) VCF-style: chr19-55501971-T-G.
Other names: c.2639T>G, p.Ile880Ser (NM_001174081.3); c.2573T>G, p.Ile858Ser (NM_001174082.3); c.2570T>G, p.Ile857Ser (NM_001174083.2); c.2630T>G, p.Ile877Ser (NM_001348003.2); short protein forms I858S, I877S, I857S, I880S.
Identifiers: ClinVar variation 3393875 (VCV003393875.1).